The following is an entry in ClinVar:

ClinVar aggregate classification (germline): Uncertain significance (1 of 4 stars; one submission).

Conditions:
Charcot-Marie-Tooth disease type 4. Also called: Charcot-Marie-Tooth disease, type IV; Charcot-Marie-Tooth, Type 4. Identifiers: Orphanet 64749, MedGen C4082197, MONDO:0018995.

Allele frequency attached by ClinVar (database versions not stated): gnomAD exomes below 0.00001.

Submission:

Labcorp Genetics (formerly Invitae), Labcorp
Classification: Uncertain significance for Charcot-Marie-Tooth disease type 4. Last evaluated: 2020-04-01. Review status: criteria provided, single submitter. Criteria: Invitae Variant Classification Sherloc (09022015). Collection method: clinical testing. Allele origin: germline.
Comment: In summary, the available evidence is currently insufficient to determine the role of this variant in disease. Therefore, it has been classified as a Variant of Uncertain Significance. Algorithms developed to predict the effect of missense changes on protein structure and function are either unavailable or do not agree on the potential impact of this missense change (SIFT: "Deleterious"; PolyPhen-2: "Benign"; Align-GVGD: "Class C25"). This variant has not been reported in the literature in individuals with SH3TC2-related conditions. This variant is not present in population databases (ExAC no frequency). This sequence change replaces valine with alanine at codon 301 of the SH3TC2 protein (p.Val301Ala). The valine residue is moderately conserved and there is a small physicochemical difference between valine and alanine.

NM_024577.4(SH3TC2):c.902T>C (p.Val301Ala)

Gene: SH3TC2 (SH3 domain and tetratricopeptide repeats 2; minus strand). Cytogenetic location: 5q32.
Variant type: single nucleotide variant.
Coding change: c.902T>C on transcript NM_024577.4 (MANE Select); coding-DNA position 902, T replaced by C.
Protein change: p.Val301Ala; replaces valine 301 with alanine.
Molecular consequence: missense variant.
Genome position (GRCh38, 1-based): chr5:149,038,394, A>G on the plus strand (T>C on the coding strand, the complement: SH3TC2 is on the minus strand). VCF-style: chr5-149038394-A-G. GRCh37 (hg19) VCF-style: chr5-148417957-A-G.
Other names: short protein forms V301A.
Identifiers: ClinVar variation 1025679 (VCV001025679.8), dbSNP rs1754317882, ClinGen allele CA361672764.